The following is an entry in ClinVar:

NM_001048174.2(MUTYH):c.1178T>G (p.Leu393Arg)

Gene: MUTYH (mutY DNA glycosylase; minus strand). Cytogenetic location: 1p34.1.
Variant type: single nucleotide variant.
Coding change: c.1178T>G on transcript NM_001048174.2 (MANE Select); coding-DNA position 1178, T replaced by G.
Protein change: p.Leu393Arg; replaces leucine 393 with arginine.
Molecular consequence: missense variant. On other transcripts: non-coding transcript variant (7).
Genome position (GRCh38, 1-based): chr1:45,331,481, A>C on the plus strand (T>G on the coding strand, the complement: MUTYH is on the minus strand). VCF-style: chr1-45331481-A-C. GRCh37 (hg19) VCF-style: chr1-45797153-A-C.
Other names: c.1178T>G, p.Leu393Arg (NM_001048171.2, NM_001048173.2, NM_001407070.1 and 6 more transcripts); c.1181T>G, p.Leu394Arg (NM_001048172.2, NM_001407071.1, NM_001407078.1 and 1 more transcripts); c.1094T>G, p.Leu365Arg (NM_001407075.1); c.1211T>G, p.Leu404Arg (NM_001407077.1, NM_001293191.2, NM_001407069.1); c.1139T>G, p.Leu380Arg (NM_001407079.1); c.1136T>G, p.Leu379Arg (NM_001407080.1); c.1262T>G, p.Leu421Arg (NM_001128425.2); c.1223T>G, p.Leu408Arg (NM_001293190.2); and 5 more; short protein forms L278R, L393R, L301R, L365R, L379R, L400R, L404R, L408R.
Identifiers: ClinVar variation 4113139 (VCV004113139.1).
Genomic context (GRCh38, chr1:45,331,481, plus strand): 5'-TCCCCAAGGTGCCGGAGGTGCGTGGCTGGGAGGGGCCCAGCCCAACGCTGTAGTTCCTGC[A>C]GCAGGGCCTTGCGCTGAAGCTGCTCTGAGGGCTCCCAGGTCACGGACGGGAACTCCCACA-3'
Protein context (NP_001041639.1, residues 383-403): PSEQLQRKAL[Leu393Arg]QELQRWAGPL

ClinVar aggregate classification (germline): Uncertain significance (1 of 4 stars; one submission).

Conditions:
Hereditary cancer-predisposing syndrome. Also called: Tumor predisposition; Neoplastic Syndromes, Hereditary; Hereditary neoplastic syndrome; Hereditary Cancer Syndrome. Identifiers: Orphanet 140162, MedGen C0027672, MeSH D009386, MONDO:0015356.

Submission:

Ambry Genetics
Classification: Uncertain significance for Hereditary cancer-predisposing syndrome. Last evaluated: 2025-08-27. Review status: criteria provided, single submitter. Criteria: Ambry Variant Classification Scheme 2023. Collection method: clinical testing. Allele origin: germline.
Comment: The p.L421R variant (also known as c.1262T>G), located in coding exon 13 of the MUTYH gene, results from a T to G substitution at nucleotide position 1262. The leucine at codon 421 is replaced by arginine, an amino acid with dissimilar properties. This amino acid position is conserved. In addition, the in silico prediction for this alteration is inconclusive. Based on the available evidence, the clinical significance of this variant remains unclear.